The following is an entry in ClinVar:

ClinVar aggregate classification (germline): Uncertain significance (1 of 4 stars; one submission).

Conditions:
Hereditary sensory and autonomic neuropathy type 7. Also called: HSAN VII; Neuropathy, hereditary sensory and autonomic, type VII. Identifiers: Orphanet 391397, MedGen C3809882, MONDO:0014244, OMIM 615548.
Familial episodic pain syndrome with predominantly lower limb involvement. Also called: Episodic pain syndrome, familial, 3. Identifiers: Orphanet 391384, Orphanet 391392, MedGen C3809899, MONDO:0014247, OMIM 615552.

gnomAD v4.1: 1 of 1,590,944 alleles (0.000063%); highest among the groups gnomAD compares: Non-Finnish European, 0.000085%; no homozygotes.

Submission:

Labcorp Genetics (formerly Invitae), Labcorp
Classification: Uncertain significance for Familial episodic pain syndrome with predominantly lower limb involvement; Hereditary sensory and autonomic neuropathy type 7. Last evaluated: 2022-02-24. Review status: criteria provided, single submitter. Criteria: Invitae Variant Classification Sherloc (09022015). Collection method: clinical testing. Allele origin: germline.
Comment: This variant has not been reported in the literature in individuals affected with SCN11A-related conditions. Algorithms developed to predict the effect of missense changes on protein structure and function are either unavailable or do not agree on the potential impact of this missense change (SIFT: "Deleterious"; PolyPhen-2: "Probably Damaging"; Align-GVGD: "Class C0"). In summary, the available evidence is currently insufficient to determine the role of this variant in disease. Therefore, it has been classified as a Variant of Uncertain Significance. This sequence change replaces leucine, which is neutral and non-polar, with valine, which is neutral and non-polar, at codon 78 of the SCN11A protein (p.Leu78Val). This variant is not present in population databases (gnomAD no frequency).

NM_001349253.2(SCN11A):c.232C>G (p.Leu78Val)

Gene: SCN11A (sodium voltage-gated channel alpha subunit 11; minus strand). Cytogenetic location: 3p22.2.
Variant type: single nucleotide variant.
Coding change: c.232C>G on transcript NM_001349253.2 (MANE Select); coding-DNA position 232, C replaced by G.
Protein change: p.Leu78Val; replaces leucine 78 with valine.
Molecular consequence: missense variant.
Genome position (GRCh38, 1-based): chr3:38,950,131, G>C on the plus strand (C>G on the coding strand, the complement: SCN11A is on the minus strand). VCF-style: chr3-38950131-G-C. GRCh37 (hg19) VCF-style: chr3-38991622-G-C.
Other names: c.232C>G, p.Leu78Val (NM_014139.3); short protein forms L78V.
Identifiers: ClinVar variation 1963642 (VCV001963642.5), dbSNP rs2470708209, ClinGen allele CA352176525.
Genomic context (GRCh38, chr3:38,950,131, plus strand): 5'-CCCCCCCCCCCGCCCAATGAAGTACCTTATGATTTCGGTAGAATGGGTCCAAGTCTTCCA[G>C]AGGCTTTCCTATGAGCTCACGAGGAATGTCGCCATAGAGCTTGGGCAACTTCCTGGAGGC-3'
Protein context (NP_001336182.1, residues 68-88): DIPRELIGKP[Leu78Val]EDLDPFYRNH